The following is an entry in ClinVar:

ClinVar aggregate classification (germline): Uncertain significance (1 of 4 stars; one submission).

gnomAD v4.1: 7 of 1,612,950 alleles (0.00043%); highest among the groups gnomAD compares: East Asian, 0.0089%; no homozygotes.

Submission:

Ambry Genetics
Classification: Uncertain significance. Last evaluated: 2025-01-20. Review status: criteria provided, single submitter. Criteria: Ambry Variant Classification Scheme 2023. Collection method: clinical testing. Allele origin: germline.
Comment: The p.L680V variant (also known as c.2038C>G), located in coding exon 3 of the CDK12 gene, results from a C to G substitution at nucleotide position 2038. The leucine at codon 680 is replaced by valine, an amino acid with highly similar properties. This amino acid position is conserved. In addition, this alteration is predicted to be tolerated by in silico analysis. Based on the available evidence, the clinical significance of this variant remains unclear.

NM_016507.4(CDK12):c.2038C>G (p.Leu680Val)

Gene: CDK12 (cyclin dependent kinase 12; plus strand). Cytogenetic location: 17q12.
Variant type: single nucleotide variant.
Coding change: c.2038C>G on transcript NM_016507.4 (MANE Select); coding-DNA position 2038, C replaced by G.
Protein change: p.Leu680Val; replaces leucine 680 with valine.
Molecular consequence: missense variant.
Genome position (GRCh38, 1-based): chr17:39,490,663, C>G. VCF-style: chr17-39490663-C-G. GRCh37 (hg19) VCF-style: chr17-37646916-C-G.
Other names: c.2038C>G, p.Leu680Val (NM_015083.4); short protein forms L680V.
Identifiers: ClinVar variation 3830545 (VCV003830545.1).